The following is an entry in ClinVar:

ClinVar aggregate classification (germline): Uncertain significance (1 of 4 stars; one submission).

Conditions:
Hereditary cancer-predisposing syndrome. Also called: Hereditary Cancer Syndrome; Hereditary neoplastic syndrome; Neoplastic Syndromes, Hereditary; Tumor predisposition. Identifiers: Orphanet 140162, MedGen C0027672, MeSH D009386, MONDO:0015356.

Submission:

Ambry Genetics
Classification: Uncertain significance for Hereditary cancer-predisposing syndrome. Last evaluated: 2023-08-29. Review status: criteria provided, single submitter. Criteria: Ambry Variant Classification Scheme 2023. Collection method: clinical testing. Allele origin: germline.
Comment: The p.S2259F variant (also known as c.6776C>T), located in coding exon 45 of the ATM gene, results from a C to T substitution at nucleotide position 6776. The serine at codon 2259 is replaced by phenylalanine, an amino acid with highly dissimilar properties. This amino acid position is well conserved in available vertebrate species. In addition, this alteration is predicted to be deleterious by in silico analysis. Since supporting evidence is limited at this time, the clinical significance of this alteration remains unclear.

NM_000051.4(ATM):c.6776C>T (p.Ser2259Phe)

Genes: ATM (ATM serine/threonine kinase; plus strand), C11orf65 (chromosome 11 open reading frame 65; minus strand). Cytogenetic location: 11q22.3.
Variant type: single nucleotide variant.
Coding change: c.6776C>T on transcript NM_000051.4 (MANE Select); coding-DNA position 6776, C replaced by T.
Protein change: p.Ser2259Phe; replaces serine 2259 with phenylalanine.
Molecular consequence: missense variant. On other transcripts: intron variant (2).
Genome position (GRCh38, 1-based): chr11:108,325,513, C>T. VCF-style: chr11-108325513-C-T. GRCh37 (hg19) VCF-style: chr11-108196240-C-T.
Other names: c.6776C>T, p.Ser2259Phe (NM_001351834.2); c.641-16442G>A (NM_001330368.2); c.*38+9707G>A (NM_001351110.2); short protein forms S2259F.
Identifiers: ClinVar variation 2587807 (VCV002587807.2), dbSNP rs786202094, ClinGen allele CA382555439.